The following is an entry in ClinVar:

ClinVar aggregate classification (germline): Uncertain significance (1 of 4 stars; one submission).

Conditions:
Duchenne muscular dystrophy (DMD). Also called: MUSCULAR DYSTROPHY, PSEUDOHYPERTROPHIC PROGRESSIVE, DUCHENNE TYPE; Duchenne Muscular Dystrophy (DMD). Identifiers: Orphanet 98896, MedGen C0013264, MONDO:0010679, OMIM 310200.

Submission:

Labcorp Genetics (formerly Invitae), Labcorp
Classification: Uncertain significance for Duchenne muscular dystrophy. Last evaluated: 2022-05-12. Review status: criteria provided, single submitter. Criteria: Invitae Variant Classification Sherloc (09022015). Collection method: clinical testing. Allele origin: germline.
Comment: This sequence change replaces alanine, which is neutral and non-polar, with aspartic acid, which is acidic and polar, at codon 391 of the DMD protein (p.Ala391Asp). This variant is not present in population databases (gnomAD no frequency). This variant has not been reported in the literature in individuals affected with DMD-related conditions. Algorithms developed to predict the effect of missense changes on protein structure and function (SIFT, PolyPhen-2, Align-GVGD) all suggest that this variant is likely to be tolerated. In summary, the available evidence is currently insufficient to determine the role of this variant in disease. Therefore, it has been classified as a Variant of Uncertain Significance.

NM_004006.3(DMD):c.1172C>A (p.Ala391Asp)

Gene: DMD (dystrophin; minus strand). Cytogenetic location: Xp21.1.
Variant type: single nucleotide variant.
Coding change: c.1172C>A on transcript NM_004006.3 (MANE Select); coding-DNA position 1172, C replaced by A.
Protein change: p.Ala391Asp; replaces alanine 391 with aspartic acid.
Molecular consequence: missense variant.
Genome position (GRCh38, 1-based): chrX:32,644,291, G>T on the plus strand (C>A on the coding strand, the complement: DMD is on the minus strand). VCF-style: chrX-32644291-G-T. GRCh37 (hg19) VCF-style: chrX-32662408-G-T.
Other names: c.1148C>A, p.Ala383Asp (NM_000109.4); c.1160C>A, p.Ala387Asp (NM_004009.3); c.803C>A, p.Ala268Asp (NM_004010.3); short protein forms A383D, A387D, A268D, A391D.
Identifiers: ClinVar variation 1357345 (VCV001357345.3), dbSNP rs1602460817, ClinGen allele CA412661392.
Genomic context (GRCh38, chrX:32,644,291, plus strand): 5'-TTTCCTGTTCCAATCAGCTTACTTCCCAATTGTAGAATATTACCAACCCGGCCCTGATGG[G>T]CTGTCAAATCCATCATGTACCCCTGACAAAGAAGGAAGTTAACAATTGTAATTAGAACTC-3'
Protein context (NP_003997.2, residues 381-401): THEGYMMDLT[Ala391Asp]HQGRVGNILQ